The following is an entry in ClinVar:

NM_004453.4(ETFDH):c.973G>T (p.Val325Phe)

Gene: ETFDH (electron transfer flavoprotein dehydrogenase; plus strand). Cytogenetic location: 4q32.1.
Variant type: single nucleotide variant.
Coding change: c.973G>T on transcript NM_004453.4 (MANE Select); coding-DNA position 973, G replaced by T.
Protein change: p.Val325Phe; replaces valine 325 with phenylalanine.
Molecular consequence: missense variant.
Genome position (GRCh38, 1-based): chr4:158,698,987, G>T. VCF-style: chr4-158698987-G-T. GRCh37 (hg19) VCF-style: chr4-159620139-G-T.
Other names: c.832G>T, p.Val278Phe (NM_001281737.2); c.790G>T, p.Val264Phe (NM_001281738.1); short protein forms V325F, V264F, V278F.
Identifiers: ClinVar variation 2511021 (VCV002511021.3), dbSNP rs549454407, ClinGen allele CA312537.
Genomic context (GRCh38, chr4:158,698,987, plus strand): 5'-TTTAGCTTGATTTAATTTGAAATAAAAATGTCTAATTAAATATAAGTGTAAATTTTTAAG[G>T]TTGGTCTAGACTATCAGAATCCATACCTGAGTCCATTTAGAGAGTTCCAAAGGTGGAAAC-3'
Protein context (NP_004444.2, residues 315-335): GEPLVALGLV[Val325Phe]GLDYQNPYLS

ClinVar aggregate classification (germline): Conflicting classifications of pathogenicity. Review status: criteria provided, conflicting classifications (1 of 4 stars). 2 submissions from 2 submitters: Likely pathogenic (1); Uncertain significance (1). Last evaluated 2026-06-26.

Conditions:
Multiple acyl-CoA dehydrogenase deficiency (MADD). Also called: ETHYLMALONIC-ADIPICACIDURIA; GA II; Glutaric aciduria, type 2; Glutaric acidemia type II; GA 2; Glutaric Acidemia type 2. Identifiers: Orphanet 26791, MedGen C0268596, MONDO:0009282, OMIM 231680.
Inborn genetic diseases. Identifiers: MedGen C0950123, MeSH D030342.

Allele frequency attached by ClinVar (database versions not stated): TOPMed 0.00001.
gnomAD v4.1: 36 of 1,588,978 alleles (0.0023%); highest among the groups gnomAD compares: Non-Finnish European, 0.0028%; no homozygotes.

Submissions (2):

Victorian Clinical Genetics Services, Murdoch Childrens Research Institute
Classification: Likely pathogenic for Multiple acyl-CoA dehydrogenase deficiency. Last evaluated: 2026-06-26. Review status: criteria provided, single submitter. Criteria: ACMG Guidelines, 2015. Collection method: clinical testing. Allele origin: germline. Affected: no.
Comment: This variant is classified as Likely pathogenic. Evidence in support of pathogenic classification: Variant is present in gnomAD <0.01 for a recessive condition (v4: 36 heterozygote(s), 0 homozygote(s)); Missense variant predicted to be damaging by in silico tool(s) or highly conserved with a major amino acid change. Additional information: Variant is predicted to result in a missense amino acid change from Val to Phe; This variant is heterozygous; This gene is associated with autosomal recessive disease; Alternative amino acid change(s) at the same position are present in gnomAD (highest allele count: v4: 3 heterozygote(s), 0 homozygote(s)); Previous evidence of pathogenicity for this variant is inconclusive. This variant has been classified once as VUS by a clinical laboratory in ClinVar; No published evidence of segregation with disease has been identified for this variant; No published functional evidence has been identified for this variant; No comparable missense variants have previous evidence for pathogenicity; Variant is located in the annotated ETF-QO, ubiquinone-binding domain (DECIPHER); Loss of function is a known mechanism of disease in this gene and is associated with glutaric acidemia IIC (MIM#231680), also known as multiple acyl-CoA dehydrogenase deficiency (MADD); Variants in this gene are known to have variable expressivity and can present with high variability in age and severity of symptoms (OMIM, PMID: 33823724, 25200064).

Ambry Genetics
Classification: Uncertain significance for Inborn genetic diseases. Last evaluated: 2023-03-23. Review status: criteria provided, single submitter. Criteria: Ambry Variant Classification Scheme 2023. Collection method: clinical testing. Allele origin: germline.

Literature cited by the submitters: PubMed 33823724 (cited by Victorian Clinical Genetics Services, Murdoch Childrens Research Institute); PubMed 25200064 (cited by Victorian Clinical Genetics Services, Murdoch Childrens Research Institute).